The following is an entry in ClinVar:

NM_173076.3(ABCA12):c.6852+2T>G

Genes: ABCA12 (ATP binding cassette subfamily A member 12; minus strand), SNHG31 (small nucleolar RNA host gene 31; plus strand). Cytogenetic location: 2q35.
Variant type: single nucleotide variant.
Coding change: c.6852+2T>G on transcript NM_173076.3 (MANE Select); the canonical splice donor site of the intron after coding-DNA position 6852, T replaced by G.
Molecular consequence: splice donor variant.
Genome position (GRCh38, 1-based): chr2:214,950,877, A>C on the plus strand (T>G on the coding strand, the complement: ABCA12 is on the minus strand). VCF-style: chr2-214950877-A-C. GRCh37 (hg19) VCF-style: chr2-215815601-A-C.
Other names: c.5898+2T>G (NM_015657.4).
Identifiers: ClinVar variation 2696528 (VCV002696528.3), dbSNP rs2469146316, ClinGen allele CA350794667.

ClinVar aggregate classification (germline): Likely pathogenic (1 of 4 stars; one submission).

Submission:

Labcorp Genetics (formerly Invitae), Labcorp
Classification: Likely pathogenic. Last evaluated: 2023-11-17. Review status: criteria provided, single submitter. Criteria: Invitae Variant Classification Sherloc (09022015). Collection method: clinical testing. Allele origin: germline.
Comment: This sequence change affects a donor splice site in intron 45 of the ABCA12 gene. It is expected to disrupt RNA splicing. Variants that disrupt the donor or acceptor splice site typically lead to a loss of protein function (PMID: 16199547), and loss-of-function variants in ABCA12 are known to be pathogenic (PMID: 20672373). This variant is not present in population databases (gnomAD no frequency). This variant has not been reported in the literature in individuals affected with ABCA12-related conditions. Algorithms developed to predict the effect of sequence changes on RNA splicing suggest that this variant may disrupt the consensus splice site. In summary, the currently available evidence indicates that the variant is pathogenic, but additional data are needed to prove that conclusively. Therefore, this variant has been classified as Likely Pathogenic.

Literature cited by the submitters: PubMed 16199547; PubMed 20672373.